The following is an entry in ClinVar:

NM_000059.4(BRCA2):c.803A>G (p.Lys268Arg)

Gene: BRCA2 (BRCA2 DNA repair associated; plus strand). Cytogenetic location: 13q13.1.
Variant type: single nucleotide variant.
Coding change: c.803A>G on transcript NM_000059.4 (MANE Select); coding-DNA position 803, A replaced by G.
Protein change: p.Lys268Arg; replaces lysine 268 with arginine.
Molecular consequence: missense variant. On other transcripts: non-coding transcript variant (1), intron variant (1).
Genome position (GRCh38, 1-based): chr13:32,332,281, A>G. VCF-style: chr13-32332281-A-G. GRCh37 (hg19) VCF-style: chr13-32906418-A-G.
Other names: c.803A>G, p.Lys268Arg (NM_001406719.1, NM_001406720.1, NM_001406721.1); c.424+1251A>G (NM_001406722.1); short protein forms K268R.
Identifiers: ClinVar variation 2859994 (VCV002859994.3), dbSNP rs2137464923, ClinGen allele CA387760363.

ClinVar aggregate classification (germline): Uncertain significance (1 of 4 stars; one submission).

Conditions:
Hereditary breast ovarian cancer syndrome. Also called: Hereditary breast and ovarian cancer syndrome (HBOC); Hereditary breast and ovarian cancer syndrome; Hereditary breast and/or ovarian cancer syndrome; Hereditary breast and ovarian cancer; Breast and ovarian cancer; BRCA1- and BRCA2-Associated Hereditary Breast and Ovarian Cancer. Identifiers: Orphanet 145, MedGen C0677776, MeSH D061325, MONDO:0003582. Disease mechanism: loss of function.

Submission:

Labcorp Genetics (formerly Invitae), Labcorp
Classification: Uncertain significance for Hereditary breast ovarian cancer syndrome. Last evaluated: 2023-04-28. Review status: criteria provided, single submitter. Criteria: Invitae Variant Classification Sherloc (09022015). Collection method: clinical testing. Allele origin: germline.
Comment: In summary, the available evidence is currently insufficient to determine the role of this variant in disease. Therefore, it has been classified as a Variant of Uncertain Significance. Advanced modeling of protein sequence and biophysical properties (such as structural, functional, and spatial information, amino acid conservation, physicochemical variation, residue mobility, and thermodynamic stability) performed at Invitae indicates that this missense variant is not expected to disrupt BRCA2 protein function. This variant has not been reported in the literature in individuals affected with BRCA2-related conditions. This variant is not present in population databases (gnomAD no frequency). This sequence change replaces lysine, which is basic and polar, with arginine, which is basic and polar, at codon 268 of the BRCA2 protein (p.Lys268Arg).